The following is an entry in ClinVar:

ClinVar aggregate classification (germline): Uncertain significance. Review status: criteria provided, multiple submitters, no conflicts (2 of 4 stars). 2 submissions from 2 submitters: Uncertain significance (2). Last evaluated 2025-12-24.

Conditions:
Dyskeratosis congenita. Identifiers: Orphanet 1775, MedGen C0265965, MONDO:0015780.

Allele frequency attached by ClinVar (database versions not stated): ExAC 0.00002; ESP Exome Variant Server 0.00008; gnomAD exomes 0.00003; gnomAD 0.00002; TOPMed 0.00002.

Submissions (2):

Dasa
Classification: Uncertain significance. Last evaluated: 2025-12-24. Review status: criteria provided, single submitter. Criteria: DASA Assertion Criteria. Collection method: clinical testing. Allele origin: germline.
Comment: NM_025099.6(CTC1):c.1147C>T (p.Leu383Phe) is a missense variant that results in the substitution of leucine with phenylalanine. This variant is rare in population databases. The currently available literature and clinical evidence are not sufficient to establish a definitive association between this variant and the reported condition. Therefore, this variant is classified as a variant of uncertain significance.

Labcorp Genetics (formerly Invitae), Labcorp
Classification: Uncertain significance for Dyskeratosis congenita. Last evaluated: 2024-02-24. Review status: criteria provided, single submitter. Criteria: Invitae Variant Classification Sherloc (09022015). Collection method: clinical testing. Allele origin: germline.
Comment: This sequence change replaces leucine, which is neutral and non-polar, with phenylalanine, which is neutral and non-polar, at codon 383 of the CTC1 protein (p.Leu383Phe). This variant is present in population databases (rs199532891, gnomAD 0.006%). This variant has not been reported in the literature in individuals affected with CTC1-related conditions. ClinVar contains an entry for this variant (Variation ID: 858145). Advanced modeling of protein sequence and biophysical properties (such as structural, functional, and spatial information, amino acid conservation, physicochemical variation, residue mobility, and thermodynamic stability) performed at Invitae indicates that this missense variant is expected to disrupt CTC1 protein function with a positive predictive value of 80%. In summary, the available evidence is currently insufficient to determine the role of this variant in disease. Therefore, it has been classified as a Variant of Uncertain Significance.

NM_025099.6(CTC1):c.1147C>T (p.Leu383Phe)

Gene: CTC1 (CST telomere replication complex component 1; minus strand). Cytogenetic location: 17p13.1.
Variant type: single nucleotide variant.
Coding change: c.1147C>T on transcript NM_025099.6 (MANE Select); coding-DNA position 1147, C replaced by T.
Protein change: p.Leu383Phe; replaces leucine 383 with phenylalanine.
Molecular consequence: missense variant. On other transcripts: non-coding transcript variant (1).
Genome position (GRCh38, 1-based): chr17:8,235,890, G>A on the plus strand (C>T on the coding strand, the complement: CTC1 is on the minus strand). VCF-style: chr17-8235890-G-A. GRCh37 (hg19) VCF-style: chr17-8139208-G-A.
Other names: short protein forms L383F.
Identifiers: ClinVar variation 858145 (VCV000858145.8), dbSNP rs199532891, ClinGen allele CA8372448.
Genomic context (GRCh38, chr17:8,235,890, plus strand): 5'-CCTGCAGACACACTCCAGGTCGCATCACCCGCCTAAGGCCACGGAACTGCTGGTAGGCAA[G>A]GCAGAGCCCCAGCTGCCCATCCAGCTCATAGAGGCCAGCGGGCTCATTCAACACGCCAGT-3'
Protein context (NP_079375.3, residues 373-393): YELDGQLGLC[Leu383Phe]AYQQFRGLRR